The following is an entry in ClinVar:

NM_002334.4(LRP4):c.4594G>A (p.Val1532Met)

Genes: LRP4 (LDL receptor related protein 4; minus strand), LRP4-AS1 (LRP4 antisense RNA 1; plus strand). Cytogenetic location: 11p11.2.
Variant type: single nucleotide variant.
Coding change: c.4594G>A on transcript NM_002334.4 (MANE Select); coding-DNA position 4594, G replaced by A.
Protein change: p.Val1532Met; replaces valine 1532 with methionine.
Molecular consequence: missense variant.
Genome position (GRCh38, 1-based): chr11:46,871,623, C>T on the plus strand (G>A on the coding strand, the complement: LRP4 is on the minus strand). VCF-style: chr11-46871623-C-T. GRCh37 (hg19) VCF-style: chr11-46893174-C-T.
Other names: short protein forms V1532M.
Identifiers: ClinVar variation 4526104 (VCV004526104.1).
Genomic context (GRCh38, chr11:46,871,623, plus strand): 5'-AGACCTGCCGCAGTTTCCCATTGAGGTCAGCACTCTCGATCCGGTCCAGATGCGCATCCA[C>T]CCAGTAGATCCTGCGAAGAAAATGAAAAGAGTGGCTGCTCCAAACGCTTGCCAGGGAGCC-3'
Protein context (NP_002325.2, residues 1522-1542): LDYDTRRIYW[Val1532Met]DAHLDRIESA

ClinVar aggregate classification (germline): Uncertain significance (1 of 4 stars; one submission).

Submission:

Women's Health and Genetics/Laboratory Corporation of America, LabCorp
Classification: Uncertain significance. Last evaluated: 2025-07-08. Review status: criteria provided, single submitter. Criteria: LabCorp Variant Classification Summary - May 2015. Collection method: clinical testing. Allele origin: germline.
Comment: Variant summary: LRP4 c.4594G>A (p.Val1532Met) results in a conservative amino acid change in the encoded protein sequence. Algorithms developed to predict the effect of missense changes on protein structure and function are either unavailable or do not agree on the potential impact of this missense change. The variant was absent in 245272 control chromosomes. The available data on variant occurrences in the general population are insufficient to allow any conclusion about variant significance. To our knowledge, no occurrence of c.4594G>A in individuals affected with LRP4-Related Disorders and no experimental evidence demonstrating its impact on protein function have been reported. No submitters have cited clinical-significance assessments for this variant to ClinVar. Based on the evidence outlined above, the variant was classified as uncertain significance.